The following is an entry in ClinVar:

ClinVar aggregate classification (germline): Likely benign. Review status: criteria provided, multiple submitters, no conflicts (2 of 4 stars). 4 submissions from 4 submitters: Likely benign (4). Last evaluated 2026-06-01.

Conditions:
Hypertrophic cardiomyopathy. Also called: HYPERTROPHIC MYOCARDIOPATHY. Identifiers: Orphanet 217569, MedGen C0007194, MeSH D002312, MONDO:0005045, HP:0001639.
Cardiomyopathy (CMYO). Also called: Cardiomyopathies. Identifiers: Orphanet 167848, MedGen C0878544, MONDO:0004994, HP:0001638. Inheritance: Various modes of inheritance.

Allele frequency attached by ClinVar (database versions not stated): gnomAD exomes below 0.00001 and 0.00002; ExAC 0.00002.

Submissions (4):

CeGaT Center for Human Genetics Tuebingen
Classification: Likely benign. Last evaluated: 2026-06-01. Review status: criteria provided, single submitter. Criteria: CeGaT Center For Human Genetics Tuebingen Variant Classification Criteria Version 2. Collection method: clinical testing. Allele origin: germline. Affected: yes. Observed: 2 variant alleles.
Comment: TPM1: BP4

Molecular Diagnostic Laboratory for Inherited Cardiovascular Disease, Montreal Heart Institute
Classification: Likely benign. Last evaluated: 2026-03-27. Review status: criteria provided, single submitter. Criteria: ACMG Guidelines, 2015. Collection method: clinical testing. Allele origin: germline. Affected: no.
Comment: BS1

Labcorp Genetics (formerly Invitae), Labcorp
Classification: Likely benign for Hypertrophic cardiomyopathy. Last evaluated: 2026-01-26. Review status: criteria provided, single submitter. Criteria: Invitae Variant Classification Sherloc (09022015). Collection method: clinical testing. Allele origin: germline.

Color Diagnostics, LLC DBA Color Health
Classification: Likely benign for Cardiomyopathy. Last evaluated: 2023-12-07. Review status: criteria provided, single submitter. Criteria: ACMG Guidelines, 2015. Collection method: clinical testing. Allele origin: germline.

NM_001018005.2(TPM1):c.493-7G>A

Gene: TPM1 (tropomyosin 1; plus strand). Cytogenetic location: 15q22.2.
Variant type: single nucleotide variant.
Coding change: c.493-7G>A on transcript NM_001018005.2 (MANE Select); 7 bases into the intron before coding-DNA position 493, G replaced by A.
Molecular consequence: intron variant.
Genome position (GRCh38, 1-based): chr15:63,060,862, G>A. VCF-style: chr15-63060862-G-A. GRCh37 (hg19) VCF-style: chr15-63353061-G-A.
Other names: c.619-7G>A (NM_001365778.1); c.493-7G>A (NM_001018020.2, NM_001018007.2, NM_001018006.2 and 6 more transcripts); c.385-7G>A (NM_001330351.2, NM_001330344.2, NM_001018008.2 and 5 more transcripts).
Identifiers: ClinVar variation 928417 (VCV000928417.28), dbSNP rs745830368, ClinGen allele CA029868.
Genomic context (GRCh38, chr15:63,060,862, plus strand): 5'-CCCATGCCCTTCTGTTACACAAAGCTTGCAAGACCCATGGTGTGTGTGTTGTGTCTTCCT[G>A]CTGCAGGTGGCCCGTAAGCTGGTCATCATTGAGAGCGACCTGGAACGTGCAGAGGAGCGG-3'